The following is an entry in ClinVar:

NM_000059.4(BRCA2):c.6424T>C (p.Ser2142Pro)

Gene: BRCA2 (BRCA2 DNA repair associated; plus strand). Cytogenetic location: 13q13.1.
Variant type: single nucleotide variant.
Coding change: c.6424T>C on transcript NM_000059.4 (MANE Select); coding-DNA position 6424, T replaced by C.
Protein change: p.Ser2142Pro; replaces serine 2142 with proline.
Molecular consequence: missense variant.
Genome position (GRCh38, 1-based): chr13:32,340,779, T>C. VCF-style: chr13-32340779-T-C. GRCh37 (hg19) VCF-style: chr13-32914916-T-C.
Other names: short protein forms S2142P.
Identifiers: ClinVar variation 142662 (VCV000142662.21), dbSNP rs587782624, ClinGen allele CA024019.

ClinVar aggregate classification (germline): Conflicting classifications of pathogenicity. Review status: criteria provided, conflicting classifications (1 of 4 stars). 4 submissions from 4 submitters: Uncertain significance (2); Likely benign (2). Last evaluated 2026-01-27.

Conditions:
Hereditary cancer-predisposing syndrome. Also called: Hereditary Cancer Syndrome; Neoplastic Syndromes, Hereditary; Hereditary neoplastic syndrome; Tumor predisposition. Identifiers: Orphanet 140162, MedGen C0027672, MeSH D009386, MONDO:0015356.
Hereditary breast ovarian cancer syndrome. Also called: BRCA1- and BRCA2-Associated Hereditary Breast and Ovarian Cancer; Hereditary breast and ovarian cancer syndrome; Hereditary breast and/or ovarian cancer syndrome; Breast and ovarian cancer; Hereditary breast and ovarian cancer; Hereditary breast and ovarian cancer syndrome (HBOC). Identifiers: Orphanet 145, MedGen C0677776, MeSH D061325, MONDO:0003582. Disease mechanism: loss of function.

Allele frequency attached by ClinVar (database versions not stated): gnomAD exomes below 0.00001.

Submissions (4):

Labcorp Genetics (formerly Invitae), Labcorp
Classification: Uncertain significance for Hereditary breast ovarian cancer syndrome. Last evaluated: 2026-01-27. Review status: criteria provided, single submitter. Criteria: Invitae Variant Classification Sherloc (09022015). Collection method: clinical testing. Allele origin: germline.
Comment: This sequence change replaces serine, which is neutral and polar, with proline, which is neutral and non-polar, at codon 2142 of the BRCA2 protein (p.Ser2142Pro). This variant is not present in population databases (gnomAD no frequency). This variant has not been reported in the literature in individuals affected with BRCA2-related conditions. ClinVar contains an entry for this variant (Variation ID: 142662). Invitae Evidence Modeling of protein sequence and biophysical properties (such as structural, functional, and spatial information, amino acid conservation, physicochemical variation, residue mobility, and thermodynamic stability) indicates that this missense variant is not expected to disrupt BRCA2 protein function with a negative predictive value of 95%. In summary, the available evidence is currently insufficient to determine the role of this variant in disease. Therefore, it has been classified as a Variant of Uncertain Significance.

Ambry Genetics
Classification: Uncertain significance for Hereditary cancer-predisposing syndrome. Last evaluated: 2025-12-04. Review status: criteria provided, single submitter. Criteria: Ambry Variant Classification Scheme 2023. Collection method: clinical testing. Allele origin: germline.
Comment: The p.S2142P variant (also known as c.6424T>C), located in coding exon 10 of the BRCA2 gene, results from a T to C substitution at nucleotide position 6424. The serine at codon 2142 is replaced by proline, an amino acid with similar properties. This amino acid position is well conserved in available vertebrate species. In addition, the in silico prediction for this alteration is inconclusive. Based on the available evidence, the clinical significance of this variant remains unclear.

Color Diagnostics, LLC DBA Color Health
Classification: Likely benign for Hereditary cancer-predisposing syndrome. Last evaluated: 2024-08-07. Review status: criteria provided, single submitter. Criteria: ACMG Guidelines, 2015. Collection method: clinical testing. Allele origin: germline.

University of Washington Department of Laboratory Medicine, University of Washington
Classification: Likely benign for Hereditary cancer-predisposing syndrome. Last evaluated: 2023-03-23. Review status: criteria provided, single submitter. Criteria: Dines et al. (Genet Med. 2020). Collection method: curation. Allele origin: germline.
Comment: Missense variant in a coldspot region where missense variants are very unlikely to be pathogenic (PMID:31911673).

BRCA2 exon 11 coldspot. Reclassification based on statistical prior probability.